The following is an entry in ClinVar:

ClinVar aggregate classification (germline): Benign/Likely benign. Review status: criteria provided, multiple submitters, no conflicts (2 of 4 stars). 4 submissions from 4 submitters: Benign (2); Likely benign (2). Last evaluated 2025-04-01.

Conditions:
Tuberous sclerosis 2 (TSC2). Identifiers: Orphanet 805, MedGen C1860707, MONDO:0013199, OMIM 613254.
Hereditary cancer-predisposing syndrome. Also called: Tumor predisposition; Hereditary Cancer Syndrome; Hereditary neoplastic syndrome; Neoplastic Syndromes, Hereditary. Identifiers: Orphanet 140162, MedGen C0027672, MeSH D009386, MONDO:0015356.

Allele frequency attached by ClinVar (database versions not stated): gnomAD exomes 0.00003 and 0.00005; ExAC 0.00008.
gnomAD v4.1: 42 of 1,612,672 alleles (0.0026%); highest among the groups gnomAD compares: South Asian, 0.042%; no homozygotes.

Submissions (4):

Labcorp Genetics (formerly Invitae), Labcorp
Classification: Benign for Tuberous sclerosis 2. Last evaluated: 2025-04-01. Review status: criteria provided, single submitter. Criteria: Invitae Variant Classification Sherloc (09022015). Collection method: clinical testing. Allele origin: germline.

Myriad Genetics, Inc.
Classification: Likely benign for Tuberous sclerosis 2. Last evaluated: 2024-08-23. Review status: criteria provided, single submitter. Criteria: Myriad Autosomal Dominant, Autosomal Recessive and X-Linked Classification Criteria (2023). Collection method: clinical testing. Allele origin: unknown.
Comment: This variant is considered likely benign. This variant has been observed at a population frequency that is significantly greater than expected given the associated disease prevalence and penetrance.

CeGaT Center for Human Genetics Tuebingen
Classification: Benign. Last evaluated: 2023-10-01. Review status: criteria provided, single submitter. Criteria: CeGaT Center For Human Genetics Tuebingen Variant Classification Criteria Version 2. Collection method: clinical testing. Allele origin: germline. Affected: yes. Observed: 3 variant alleles.
Comment: TSC2: PP3, BS1, BS2

Ambry Genetics
Classification: Likely benign for Hereditary cancer-predisposing syndrome. Last evaluated: 2021-03-03. Review status: criteria provided, single submitter. Criteria: Ambry Variant Classification Scheme 2023. Collection method: clinical testing. Allele origin: germline.

NM_000548.5(TSC2):c.4610T>C (p.Ile1537Thr)

Gene: TSC2 (TSC complex subunit 2; plus strand). Cytogenetic location: 16p13.3.
Variant type: single nucleotide variant.
Coding change: c.4610T>C on transcript NM_000548.5 (MANE Select); coding-DNA position 4610, T replaced by C.
Protein change: p.Ile1537Thr; replaces isoleucine 1537 with threonine.
Molecular consequence: missense variant.
Genome position (GRCh38, 1-based): chr16:2,085,270, T>C. VCF-style: chr16-2085270-T-C. GRCh37 (hg19) VCF-style: chr16-2135271-T-C.
Other names: c.4409T>C, p.Ile1470Thr (NM_001077183.3); c.4541T>C, p.Ile1514Thr (NM_001114382.3); c.4301T>C, p.Ile1434Thr (NM_001318827.2); c.4265T>C, p.Ile1422Thr (NM_001318829.2); c.3878T>C, p.Ile1293Thr (NM_001318831.2); c.4442T>C, p.Ile1481Thr (NM_001318832.2); c.4412T>C, p.Ile1471Thr (NM_001363528.2); c.4478T>C, p.Ile1493Thr (NM_001370404.1); and 1 more; short protein forms I1537T, I1293T, I1434T, I1494T, I1514T, I1422T, I1481T, I1470T.
Identifiers: ClinVar variation 579053 (VCV000579053.38), dbSNP rs760056622, ClinGen allele CA051935.